The following is an entry in ClinVar:

Conditions:
Breast-ovarian cancer, familial, susceptibility to, 1 (BROVCA1). Also called: BRCA1 Hereditary Breast and Ovarian Cancer; OVARIAN CANCER, SUSCEPTIBILITY TO. Identifiers: Orphanet 145, MedGen C2676676, MONDO:0011450, OMIM 604370. Disease mechanism: loss of function.

Submission:

Brotman Baty Institute, University of Washington
No classification provided (evidence only). Condition: Breast-ovarian cancer, familial 1. Review status: no classification provided. Collection method: in vitro. Allele origin: not applicable. Functional consequence: functionally_normal.
ClinVar note: "not provided" was previously submitted as the classification for the variant. However, the classification appeared to be based only on an observation of functional data so it was converted to no classification on 2025-07-30.

NM_007294.4(BRCA1):c.5199T>A (p.Asp1733Glu)

Gene: BRCA1 (BRCA1 DNA repair associated; minus strand). Cytogenetic location: 17q21.31.
Variant type: single nucleotide variant.
Coding change: c.5199T>A on transcript NM_007294.4 (MANE Select); coding-DNA position 5199, T replaced by A.
Protein change: p.Asp1733Glu; replaces aspartic acid 1733 with glutamic acid.
Molecular consequence: missense variant. On other transcripts: non-coding transcript variant (1).
Genome position (GRCh38, 1-based): chr17:43,057,130, A>T on the plus strand (T>A on the coding strand, the complement: BRCA1 is on the minus strand). VCF-style: chr17-43057130-A-T. GRCh37 (hg19) VCF-style: chr17-41209147-A-T.
Other names: c.4986T>A, p.Asp1662Glu (NM_001407571.1, NM_001407900.1, NM_001407902.1 and 12 more transcripts); c.5265T>A, p.Asp1755Glu (NM_001407581.1, NM_001407582.1); c.5262T>A, p.Asp1754Glu (NM_001407583.1, NM_001407585.1, NM_001407587.1 and 1 more transcripts); c.5259T>A, p.Asp1753Glu (NM_001407590.1, NM_001407591.1); c.5199T>A, p.Asp1733Glu (NM_001407593.1, NM_001407594.1, NM_001407596.1 and 7 more transcripts); c.5196T>A, p.Asp1732Glu (NM_001407610.1, NM_001407611.1, NM_001407612.1 and 17 more transcripts); c.5193T>A, p.Asp1731Glu (NM_001407629.1, NM_001407630.1, NM_001407631.1 and 14 more transcripts); c.5139T>A, p.Asp1713Glu (NM_001407649.1); and 72 more; short protein forms D1754E, D629E, D1686E, D1733E, D1437E, D1604E, D1643E, D1666E.
Identifiers: ClinVar variation 868172 (VCV000868172.3), dbSNP rs2051529721, ClinGen allele CA10591136.